The following is an entry in ClinVar:

ClinVar aggregate classification (germline): Uncertain significance (1 of 4 stars; one submission).

Conditions:
Acyl-CoA oxidase deficiency. Also called: Peroxisomal acyl-CoA oxidase deficiency; STRAIGHT-CHAIN ACYL-CoA OXIDASE DEFICIENCY; Pseudoneonatal adrenoleukodystrophy. Identifiers: Orphanet 2971, MedGen C1849678, MONDO:0009919, OMIM 264470. Disease mechanism: loss of function.

Submission:

3billion
Classification: Uncertain significance for Acyl-CoA oxidase deficiency. Last evaluated: 2022-05-22. Review status: criteria provided, single submitter. Criteria: ACMG Guidelines, 2015. Collection method: clinical testing. Allele origin: germline. Affected: yes. Observed: 1 homozygote.
Comment: The variant is not observed in the gnomAD v2.1.1 dataset. In silico tool predictions suggest damaging effect of the variant on gene or gene product (REVEL: 0.77; 3Cnet: 0.78). Therefore, this variant is classified as uncertain significanceaccording to the recommendation of ACMG/AMP guideline.

NM_004035.7(ACOX1):c.1126G>A (p.Gly376Arg)

Gene: ACOX1 (acyl-CoA oxidase 1; minus strand). Cytogenetic location: 17q25.1.
Variant type: single nucleotide variant.
Coding change: c.1126G>A on transcript NM_004035.7 (MANE Select); coding-DNA position 1126, G replaced by A.
Protein change: p.Gly376Arg; replaces glycine 376 with arginine.
Molecular consequence: missense variant.
Genome position (GRCh38, 1-based): chr17:75,950,946, C>T on the plus strand (G>A on the coding strand, the complement: ACOX1 is on the minus strand). VCF-style: chr17-75950946-C-T. GRCh37 (hg19) VCF-style: chr17-73947027-C-T.
Other names: c.1012G>A, p.Gly338Arg (NM_001185039.2); c.1126G>A, p.Gly376Arg (NM_007292.6); short protein forms G338R, G376R.
Identifiers: ClinVar variation 1687621 (VCV001687621.1), dbSNP rs2144240923, ClinGen allele CA401063189.